The following is an entry in ClinVar:

NM_000455.5(STK11):c.895_901dup (p.Arg301fs)

Gene: STK11 (serine/threonine kinase 11; plus strand). Cytogenetic location: 19p13.3.
Variant type: Duplication.
Coding change: c.895_901dup on transcript NM_000455.5 (MANE Select); coding-DNA positions 895 to 901, 7 bases duplicated (TCCATCC; older notation c.895_901dupTCCATCC).
Protein change: p.Arg301fs; shifts the reading frame from arginine 301.
Molecular consequence: frameshift variant.
Genome position (GRCh38, 1-based): chr19:1,221,981-1,221,987, TCCATCC duplicated; duplicating any 7 consecutive bases within chr19:1,221,980-1,221,987 gives the same sequence; the c. name uses the placement nearest the transcript's 3' end. VCF-style (leftmost placement, unchanged base first): chr19-1221979-T-TCTCCATC. GRCh37 (hg19) VCF-style: chr19-1221978-T-TCTCCATC.
Other names: c.895_901dupTCCATCC (NM_000455.4); short protein forms R301fs.
Identifiers: ClinVar variation 527814 (VCV000527814.6), dbSNP rs1555738874, ClinGen allele CA658799092.

ClinVar aggregate classification (germline): Pathogenic (1 of 4 stars; one submission).

Conditions:
Peutz-Jeghers syndrome (PJS). Also called: POLYPOSIS, HAMARTOMATOUS INTESTINAL; POLYPS-AND-SPOTS SYNDROME; Peutz-Jeghers polyposis; Periorificial lentiginosis syndrome. Identifiers: Orphanet 2869, MedGen C0031269, MeSH D010580, MONDO:0008280, OMIM 175200.

Submission:

Labcorp Genetics (formerly Invitae), Labcorp
Classification: Pathogenic for Peutz-Jeghers syndrome. Last evaluated: 2018-04-05. Review status: criteria provided, single submitter. Criteria: Invitae Variant Classification Sherloc (09022015). Collection method: clinical testing. Allele origin: germline.
Comment: This variant is not present in population databases (ExAC no frequency). This variant has not been reported in the literature in individuals with STK11-related disease. Loss-of-function variants in STK11 are known to be pathogenic (PMID: 15188174, 16287113). For these reasons, this variant has been classified as Pathogenic. This sequence change creates a premature translational stop signal (p.Arg301Leufs*19) in the STK11 gene. It is expected to result in an absent or disrupted protein product.

Literature cited by the submitters: PubMed 15188174; PubMed 16287113.